The following is an entry in ClinVar:

NM_001142966.3(GREB1L):c.4964T>C (p.Ile1655Thr)

Gene: GREB1L (GREB1 like retinoic acid receptor coactivator; plus strand). Cytogenetic location: 18q11.2.
Variant type: single nucleotide variant.
Coding change: c.4964T>C on transcript NM_001142966.3 (MANE Select); coding-DNA position 4964, T replaced by C.
Protein change: p.Ile1655Thr; replaces isoleucine 1655 with threonine.
Molecular consequence: missense variant.
Genome position (GRCh38, 1-based): chr18:21,515,479, T>C. VCF-style: chr18-21515479-T-C. GRCh37 (hg19) VCF-style: chr18-19095440-T-C.
Other names: c.4964T>C (NM_001142966.1); short protein forms I1655T.
Identifiers: ClinVar variation 684661 (VCV000684661.3), dbSNP rs1598958721, ClinGen allele CA401734105.

ClinVar aggregate classification (germline): Conflicting classifications of pathogenicity. Review status: criteria provided, conflicting classifications (1 of 4 stars). 3 submissions from 3 submitters: Likely pathogenic (1); Uncertain significance (1). 1 of the submissions does not count toward it. Last evaluated 2025-03-12.

Conditions:
Renal hypodysplasia/aplasia 3 (RHDA3). Identifiers: MedGen C4540497, MONDO:0024520, OMIM 617805.
Hearing loss, autosomal dominant 80. Also called: DEAFNESS, AUTOSOMAL DOMINANT 80. Identifiers: MedGen C5543289, MONDO:0030998, OMIM 619274.
Renal agenesis and hypodysplasia.
GREB1L-related disorder. Also called: GREB1L-related condition.

Submissions (3):

PreventionGenetics, part of Exact Sciences
Classification: Uncertain significance for GREB1L-related condition. Last evaluated: 2025-03-12. Review status: criteria provided, single submitter. Criteria: ACMG Guidelines, 2015. Collection method: clinical testing. Allele origin: germline.
Comment: The GREB1L c.4964T>C variant is predicted to result in the amino acid substitution p.Ile1655Thr. This variant was reported in an individual with renal agenesis and was inherited from the patient's father; however, the father's disease status was not specified (Sanna-Cherchi et al. 2017. PubMed ID: 29100090). Functional studies in zebrafish found this variant was not able to rescue wild type function; however, the biological significance of this is uncertain (Sanna-Cherchi et al. 2017. PubMed ID: 29100090). This variant has not been reported in a large population database, indicating this variant is rare. Although we suspect this variant may be pathogenic, at this time, the clinical significance of this variant is uncertain due to the absence of conclusive functional and genetic evidence.

Juno Genomics, Hangzhou Juno Genomics, Inc
Classification: Likely pathogenic for Hearing loss, autosomal dominant 80; Renal hypodysplasia/aplasia 3. Review status: criteria provided, single submitter. Criteria: ACMG Guidelines, 2015. Collection method: clinical testing. Allele origin: germline. Affected: yes.
Comment: Absent from controls (or at extremely low frequency if recessive) in Genome Aggregation Database.;Missense variant in a gene that has a low rate of benign missense variation.;The prevalence of the variant in affected individuals is significantly increased compared to the prevalence in controls.;Patient's phenotype or family history is highly specific for a disease with a single genetic etiology.;De novo (both maternity and paternity confirmed) in a patient with the disease and no family history.

Yale Center for Mendelian Genomics, Yale University
Classification: association for Renal agenesis and hypodysplasia. Last evaluated: 2017-11-02. Review status: no assertion criteria provided. Collection method: literature only. Allele origin: inherited. Affected: yes. Observed: 1 heterozygote. Not counted in ClinVar's aggregate classification.

Literature cited by the submitters: PubMed 29100090 (cited by Yale Center for Mendelian Genomics, Yale University).